The following is an entry in ClinVar:

ClinVar aggregate classification (germline): Benign. Review status: reviewed by expert panel (3 of 4 stars). 6 submissions from 6 submitters: Benign (1). 5 of the submissions do not count toward it. Last evaluated 2024-12-03.

Conditions:
MRAS-related disorder. Also called: MRAS-related condition.
RASopathy. Also called: rasopathies; Noonan spectrum disorder. Identifiers: Orphanet 536391, MedGen C5555857, MONDO:0021060.

Submissions (6):

ClinGen RASopathy Variant Curation Expert Panel
Classification: Benign for RASopathy. Last evaluated: 2024-12-03. Review status: reviewed by expert panel. Criteria: ClinGen RASopathy ACMG Specifications MRAS V1.4.0. Collection method: curation. Allele origin: germline. Inheritance: Autosomal dominant inheritance.
Comment: The c.528-2del variant in MRAS is a deletion of one base pair in intron 5. This variant has a filtering allele frequency of 0.93 % in the European (non-Finnish) population in gnomAD v2, which is higher than the ClinGen RASopathy VCEP threshold (>0.0005) for BA1, and therefore meets this criterion (BA1). In summary, this variant meets the criteria to be classified as benign for autosomal dominant RASopathy based on the ACMG/AMP criteria applied, as specified by the ClinGen RASopathy VCEP: BA1 (RASopathy VCEP specifications version 1.4; 12/3/2024)

CeGaT Center for Human Genetics Tuebingen
Classification: Likely benign. Last evaluated: 2026-09-01. Review status: criteria provided, single submitter. Criteria: CeGaT Center For Human Genetics Tuebingen Variant Classification Criteria Version 2. Collection method: clinical testing. Allele origin: germline. Affected: yes. Observed: 57 variant alleles. Not counted in ClinVar's aggregate classification.
Comment: MRAS: BS2

Labcorp Genetics (formerly Invitae), Labcorp
Classification: Benign. Last evaluated: 2026-02-03. Review status: criteria provided, single submitter. Criteria: Invitae Variant Classification Sherloc (09022015). Collection method: clinical testing. Allele origin: germline. Not counted in ClinVar's aggregate classification.

Mayo Clinic Laboratories, Mayo Clinic
Classification: Benign. Last evaluated: 2023-03-17. Review status: criteria provided, single submitter. Criteria: ACMG Guidelines, 2015. Collection method: clinical testing. Allele origin: germline. Observed: 15 variant alleles. Not counted in ClinVar's aggregate classification.

Women's Health and Genetics/Laboratory Corporation of America, LabCorp
Classification: Benign. Last evaluated: 2017-07-05. Review status: criteria provided, single submitter. Criteria: LabCorp Variant Classification Summary - May 2015. Collection method: clinical testing. Allele origin: germline. Not counted in ClinVar's aggregate classification.
Comment: Variant summary: The MRAS c.528-2delA (or c.528-5delA when 3-unprimed) variant involves deletion of a nucleotide adenine in a stretch of four adenine nucleotides from position 528-5 to 528-2 in intron 5. One in silico tool predicts a damaging outcome for this variant. 4/5 splice prediction tools predict no significant impact on normal splicing. However, these predictions have yet to be confirmed by functional studies. This variant was found in 1093/120244 control chromosomes (14 homozygotes) from ExAC, predominantly observed in the European (Finnish) subpopulation at a frequency of 0.045413 (300/6606). This frequency is about 18165 times the estimated maximal expected allele frequency of a pathogenic MRAS variant (0.0000025), thus it is a benign polymorphism found primarily in the populations of European (Finnish) origin. The variant of interest has not, to our knowledge, been reported in affected individuals via publications and/or reputable databases/clinical diagnostic laboratories. Taken together, this variant is classified as benign.

PreventionGenetics, part of Exact Sciences
Classification: Benign for MRAS-related condition. Last evaluated: 2019-11-15. Review status: no assertion criteria provided. Collection method: clinical testing. Allele origin: germline. Not counted in ClinVar's aggregate classification.
Comment: This variant is classified as benign based on ACMG/AMP sequence variant interpretation guidelines (Richards et al. 2015 PMID: 25741868, with internal and published modifications).

NM_001085049.3(MRAS):c.528-2del

Gene: MRAS (muscle RAS oncogene homolog; plus strand). Cytogenetic location: 3q22.3.
Variant type: Deletion.
Coding change: c.528-2del on transcript NM_001085049.3 (MANE Select); the canonical splice acceptor site of the intron before coding-DNA position 528, one base deleted (A; older notation c.528-2delA).
Molecular consequence: splice acceptor variant.
Genome position (GRCh38, 1-based): chr3:138,402,168, A deleted; the last of 4 consecutive A bases (chr3:138,402,165-138,402,168); deleting any one gives the same sequence. VCF-style (leftmost placement, unchanged base first): chr3-138402164-CA-C. GRCh37 (hg19) VCF-style: chr3-138121006-CA-C.
Other names: c.528-2delA (NM_012219.3, NM_012219.4); c.528-2del (NM_012219.4, NM_001252090.2); c.300-2del (NM_001252091.1, NM_001252093.2, NM_001252092.2).
Identifiers: ClinVar variation 496411 (VCV000496411.41), dbSNP rs541655371, ClinGen allele CA2637057.
Genomic context (GRCh38, chr3:138,402,164, plus strand): 5'-GAGAGGGGCAGAGGAGAAGCAAAGCCCATTCTGACTTTGTCTTTCTGTCCTTCATTGTTT[CA>C]AAAGGCAACAGATTCCGGAAAAAAGCCAGAAGAAGAAGAAGAAAACCAAATGGCGGGGAG-3'